The following is an entry in ClinVar:

ClinVar aggregate classification (germline): Conflicting classifications of pathogenicity. Review status: criteria provided, conflicting classifications (1 of 4 stars). 4 submissions from 4 submitters: Uncertain significance (1); Likely benign (3). Last evaluated 2024-06-03.

Conditions:
Inborn genetic diseases. Identifiers: MedGen C0950123, MeSH D030342.
Retinitis pigmentosa (RP). Identifiers: Orphanet 791, MedGen C0035334, MeSH D012174, MONDO:0019200, OMIM 268000. Inheritance: Autosomal dominant, autosomal recessive and X linked inheritance.

Allele frequency attached by ClinVar (database versions not stated): gnomAD below 0.00001 and 0.00003; gnomAD exomes 0.00006 and 0.00014; ExAC 0.00014.
gnomAD v4.1: 97 of 1,613,944 alleles (0.006%); highest among the groups gnomAD compares: South Asian, 0.1%; 2 homozygotes.

Submissions (4):

Blueprint Genetics
Classification: Likely benign. Last evaluated: 2024-06-03. Review status: criteria provided, single submitter. Criteria: ACMG Guidelines, 2015. Collection method: clinical testing. Allele origin: germline.

Ambry Genetics
Classification: Uncertain significance for Inborn genetic diseases. Last evaluated: 2023-03-29. Review status: criteria provided, single submitter. Criteria: Ambry Variant Classification Scheme 2023. Collection method: clinical testing. Allele origin: germline.

Labcorp Genetics (formerly Invitae), Labcorp
Classification: Likely benign. Last evaluated: 2023-02-21. Review status: criteria provided, single submitter. Criteria: Invitae Variant Classification Sherloc (09022015). Collection method: clinical testing. Allele origin: germline.

Illumina Laboratory Services, Illumina
Classification: Likely benign for Retinitis pigmentosa. Last evaluated: 2018-01-13. Review status: criteria provided, single submitter. Criteria: ICSL Variant Classification Criteria 13 December 2019. Collection method: clinical testing. Allele origin: germline.
Comment: This variant was observed in the ICSL laboratory as part of a predisposition screen in an ostensibly healthy population. It had not been previously curated by ICSL or reported in the Human Gene Mutation Database (HGMD: prior to June 1st, 2018), and was therefore a candidate for classification through an automated scoring system. Utilizing variant allele frequency, disease prevalence and penetrance estimates, and inheritance mode, an automated score was calculated to assess if this variant is too frequent to cause the disease. Based on the score and internal cut-off values, a variant classified as likely benign is not then subjected to further curation. The score for this variant resulted in a classification of likely benign for this disease.

NM_005802.5(TOPORS):c.2234C>G (p.Ser745Cys)

Gene: TOPORS (TOP1 binding arginine/serine rich protein, E3 ubiquitin ligase; minus strand). Cytogenetic location: 9p21.1.
Variant type: single nucleotide variant.
Coding change: c.2234C>G on transcript NM_005802.5 (MANE Select); coding-DNA position 2234, C replaced by G.
Protein change: p.Ser745Cys; replaces serine 745 with cysteine.
Molecular consequence: missense variant.
Genome position (GRCh38, 1-based): chr9:32,542,291, G>C on the plus strand (C>G on the coding strand, the complement: TOPORS is on the minus strand). VCF-style: chr9-32542291-G-C. GRCh37 (hg19) VCF-style: chr9-32542289-G-C.
Other names: c.2039C>G, p.Ser680Cys (NM_001195622.2); short protein forms S680C, S745C.
Identifiers: ClinVar variation 915055 (VCV000915055.15), dbSNP rs758096681, ClinGen allele CA5020401.